The following is an entry in ClinVar:

NM_012282.4(KCNE5):c.374G>A (p.Arg125His)

Gene: KCNE5 (potassium voltage-gated channel subfamily E regulatory subunit 5; minus strand). Cytogenetic location: Xq23.
Variant type: single nucleotide variant.
Coding change: c.374G>A on transcript NM_012282.4 (MANE Select); coding-DNA position 374, G replaced by A.
Protein change: p.Arg125His; replaces arginine 125 with histidine.
Molecular consequence: missense variant.
Genome position (GRCh38, 1-based): chrX:109,624,647, C>T on the plus strand (G>A on the coding strand, the complement: KCNE5 is on the minus strand). VCF-style: chrX-109624647-C-T. GRCh37 (hg19) VCF-style: chrX-108867876-C-T.
Other names: short protein forms R125H.
Identifiers: ClinVar variation 1913506 (VCV001913506.5), dbSNP rs1455260841, ClinGen allele CA414213002.
Genomic context (GRCh38, chrX:109,624,647, plus strand): 5'-TGGTTTTAGACCCGCTCAGCGCCCTGGGCGAGGGCAGGCAGCCCCTCGGAGGCAAGCTGG[C>T]GGCGGCCCTCGGCCTGGGAGCCCGCGGCAGCCTCGGCGTCGGCGGTCAGGGCGCCTCCCG-3'
Protein context (NP_036414.1, residues 115-135): AAAGSQAEGR[Arg125His]QLASEGLPAL

ClinVar aggregate classification (germline): Uncertain significance (1 of 4 stars; one submission).

Conditions:
Brugada syndrome. Also called: Sudden unexpected nocturnal death syndrome; Sudden Unexplained Death Syndrome; Sudden Unexplained Nocturnal Death Syndrome (SUNDS); Sudden unexplained nocturnal death syndrome. Identifiers: Orphanet 130, MedGen C1142166, MONDO:0015263.

Allele frequency attached by ClinVar (database versions not stated): gnomAD exomes 0.00001.
gnomAD v4.1: 2 of 1,150,593 alleles (0.00017%); highest among the groups gnomAD compares: Admixed American, 0.0028%; no homozygotes.

Submission:

Labcorp Genetics (formerly Invitae), Labcorp
Classification: Uncertain significance for Brugada syndrome. Last evaluated: 2022-09-22. Review status: criteria provided, single submitter. Criteria: Invitae Variant Classification Sherloc (09022015). Collection method: clinical testing. Allele origin: germline.
Comment: In summary, the available evidence is currently insufficient to determine the role of this variant in disease. Therefore, it has been classified as a Variant of Uncertain Significance. Algorithms developed to predict the effect of missense changes on protein structure and function output the following: SIFT: "Tolerated"; PolyPhen-2: "Benign"; Align-GVGD: "Class C0". The histidine amino acid residue is found in multiple mammalian species, which suggests that this missense change does not adversely affect protein function. This variant has not been reported in the literature in individuals affected with KCNE5-related conditions. The frequency data for this variant in the population databases is considered unreliable, as metrics indicate poor data quality at this position in the gnomAD database. This sequence change replaces arginine, which is basic and polar, with histidine, which is basic and polar, at codon 125 of the KCNE5 protein (p.Arg125His).